The following is an entry in ClinVar:

NM_001034853.2(RPGR):c.1608A>T (p.Thr536=)

Gene: RPGR (retinitis pigmentosa GTPase regulator; minus strand). Cytogenetic location: Xp11.4.
Variant type: single nucleotide variant.
Coding change: c.1608A>T on transcript NM_001034853.2 (MANE Select); coding-DNA position 1608, A replaced by T.
Protein change: p.Thr536=; no amino-acid change (threonine 536 retained).
Molecular consequence: synonymous variant. On other transcripts: non-coding transcript variant (1), intron variant (5).
Genome position (GRCh38, 1-based): chrX:38,288,006, T>A on the plus strand (A>T on the coding strand, the complement: RPGR is on the minus strand). VCF-style: chrX-38288006-T-A. GRCh37 (hg19) VCF-style: chrX-38147259-T-A.
Other names: c.1608A>T, p.Thr536= (NM_000328.3); c.1605A>T, p.Thr535= (NM_001367245.1); c.1422A>T, p.Thr474= (NM_001367246.1); c.1569+2953A>T (NM_001367249.1, NM_001367250.1); c.1386+2953A>T (NM_001367251.1); c.1572+2953A>T (NM_001367247.1); c.1602+2953A>T (NM_001367248.1).
Identifiers: ClinVar variation 699474 (VCV000699474.23), dbSNP rs145089607, ClinGen allele CA10385434.

ClinVar aggregate classification (germline): Benign/Likely benign. Review status: criteria provided, multiple submitters, no conflicts (2 of 4 stars). 7 submissions from 7 submitters: Benign (1); Likely benign (2). 4 of the submissions do not count toward it. Last evaluated 2025-12-31.

Conditions:
RPGR-related disorder. Also called: RPGR-related condition.
Primary ciliary dyskinesia. Also called: Ciliary dyskinesia. Identifiers: Orphanet 244, MedGen C0008780, MONDO:0016575, HP:0012265.

Allele frequency attached by ClinVar (database versions not stated): TOPMed 0.00004; gnomAD 0.00012 and 0.00013; ExAC 0.00015; gnomAD exomes 0.00016 and 0.00023; ESP Exome Variant Server 0.00019.
gnomAD v4.1: 261 of 1,208,904 alleles (0.022%); highest among the groups gnomAD compares: Non-Finnish European, 0.027%; no homozygotes.

Submissions (7):

Labcorp Genetics (formerly Invitae), Labcorp
Classification: Benign for Primary ciliary dyskinesia. Last evaluated: 2025-12-31. Review status: criteria provided, single submitter. Criteria: Invitae Variant Classification Sherloc (09022015). Collection method: clinical testing. Allele origin: germline.

Blueprint Genetics
Classification: Likely benign. Last evaluated: 2024-06-07. Review status: criteria provided, single submitter. Criteria: ACMG Guidelines, 2015. Collection method: clinical testing. Allele origin: germline.

Ambry Genetics
Classification: Likely benign for Primary ciliary dyskinesia. Last evaluated: 2022-11-02. Review status: criteria provided, single submitter. Criteria: Ambry Variant Classification Scheme 2023. Collection method: clinical testing. Allele origin: germline.

PreventionGenetics, part of Exact Sciences
Classification: Likely benign for RPGR-related condition. Last evaluated: 2020-07-30. Review status: no assertion criteria provided. Collection method: clinical testing. Allele origin: germline. Not counted in ClinVar's aggregate classification.
Comment: This variant is classified as likely benign based on ACMG/AMP sequence variant interpretation guidelines (Richards et al. 2015 PMID: 25741868, with internal and published modifications).

Clinical Genetics DNA and cytogenetics Diagnostics Lab, Erasmus MC, Erasmus Medical Center
Classification: Likely benign. Review status: no assertion criteria provided. Collection method: clinical testing. Allele origin: germline. Affected: yes. Study: VKGL Data-share Consensus. Not counted in ClinVar's aggregate classification.

Clinical Genetics, Academic Medical Center
Classification: Benign. Review status: no assertion criteria provided. Collection method: clinical testing. Allele origin: germline. Affected: yes. Study: VKGL Data-share Consensus. Not counted in ClinVar's aggregate classification.

Joint Genome Diagnostic Labs from Nijmegen and Maastricht, Radboudumc and MUMC+
Classification: Likely benign. Review status: no assertion criteria provided. Collection method: clinical testing. Allele origin: germline. Affected: yes. Study: VKGL Data-share Consensus. Not counted in ClinVar's aggregate classification.